The following is an entry in ClinVar:

NM_015102.5(NPHP4):c.327G>A (p.Val109=)

Gene: NPHP4 (nephrocystin 4; minus strand). Cytogenetic location: 1p36.31.
Variant type: single nucleotide variant.
Coding change: c.327G>A on transcript NM_015102.5 (MANE Select); coding-DNA position 327, G replaced by A.
Protein change: p.Val109=; no amino-acid change (valine 109 retained).
Molecular consequence: synonymous variant. On other transcripts: 5 prime UTR variant (2), non-coding transcript variant (1).
Genome position (GRCh38, 1-based): chr1:5,969,212, C>T on the plus strand (G>A on the coding strand, the complement: NPHP4 is on the minus strand). VCF-style: chr1-5969212-C-T. GRCh37 (hg19) VCF-style: chr1-6029272-C-T.
Other names: c.-903G>A (NM_001291593.2); c.-1040G>A (NM_001291594.2).
Identifiers: ClinVar variation 3032190 (VCV003032190.2), dbSNP rs544396287, ClinGen allele CA554869.

ClinVar aggregate classification (germline): Likely benign (0 of 4 stars; one submission).

Conditions:
NPHP4-related disorder. Also called: NPHP4-related condition; NPHP4-related disorders. Identifiers: MedGen CN239384.

Allele frequency attached by ClinVar (database versions not stated): ExAC 0.00003; 1000 Genomes Project 30x 0.00016; 1000 Genomes Project 0.00020.
gnomAD v4.1: 2 of 1,584,632 alleles (0.00013%); highest among the groups gnomAD compares: East Asian, 0.0023%; no homozygotes.

Submission:

PreventionGenetics, part of Exact Sciences
Classification: Likely benign for NPHP4-related condition. Last evaluated: 2020-10-16. Review status: no assertion criteria provided. Collection method: clinical testing. Allele origin: germline.
Comment: This variant is classified as likely benign based on ACMG/AMP sequence variant interpretation guidelines (Richards et al. 2015 PMID: 25741868, with internal and published modifications).